The following is an entry in ClinVar:

NM_000059.4(BRCA2):c.1184G>T (p.Trp395Leu)

Gene: BRCA2 (BRCA2 DNA repair associated; plus strand). Cytogenetic location: 13q13.1.
Variant type: single nucleotide variant.
Coding change: c.1184G>T on transcript NM_000059.4 (MANE Select); coding-DNA position 1184, G replaced by T.
Protein change: p.Trp395Leu; replaces tryptophan 395 with leucine.
Molecular consequence: missense variant.
Genome position (GRCh38, 1-based): chr13:32,332,662, G>T. VCF-style: chr13-32332662-G-T. GRCh37 (hg19) VCF-style: chr13-32906799-G-T.
Other names: short protein forms W395L.
Identifiers: ClinVar variation 962996 (VCV000962996.13), dbSNP rs886040347, ClinGen allele CA387761999.

ClinVar aggregate classification (germline): Conflicting classifications of pathogenicity. Review status: criteria provided, conflicting classifications (1 of 4 stars). 4 submissions from 4 submitters: Uncertain significance (3); Likely benign (1). Last evaluated 2024-06-17.

Conditions:
Hereditary cancer-predisposing syndrome. Also called: Hereditary neoplastic syndrome; Tumor predisposition; Neoplastic Syndromes, Hereditary; Hereditary Cancer Syndrome. Identifiers: Orphanet 140162, MedGen C0027672, MeSH D009386, MONDO:0015356.
Hereditary breast ovarian cancer syndrome. Also called: Breast and ovarian cancer; Hereditary breast and ovarian cancer syndrome (HBOC); Hereditary breast and/or ovarian cancer syndrome; Hereditary breast and ovarian cancer; Hereditary breast and ovarian cancer syndrome; BRCA1- and BRCA2-Associated Hereditary Breast and Ovarian Cancer. Identifiers: Orphanet 145, MedGen C0677776, MeSH D061325, MONDO:0003582. Disease mechanism: loss of function.
Breast-ovarian cancer, familial, susceptibility to, 2 (BROVCA2). Also called: BRCA2 Hereditary Breast and Ovarian Cancer. Identifiers: Orphanet 145, MedGen C2675520, MONDO:0012933, OMIM 612555. Disease mechanism: loss of function.

Submissions (4):

Ambry Genetics
Classification: Uncertain significance for Hereditary cancer-predisposing syndrome. Last evaluated: 2024-06-17. Review status: criteria provided, single submitter. Criteria: Ambry Variant Classification Scheme 2023. Collection method: clinical testing. Allele origin: germline.
Comment: The p.W395L variant (also known as c.1184G>T), located in coding exon 9 of the BRCA2 gene, results from a G to T substitution at nucleotide position 1184. The tryptophan at codon 395 is replaced by leucine, an amino acid with similar properties. This amino acid position is not well conserved in available vertebrate species. In addition, this alteration is predicted to be tolerated by in silico analysis. Based on the available evidence, the clinical significance of this variant remains unclear.

All of Us Research Program, National Institutes of Health
Classification: Uncertain significance for Breast-ovarian cancer, familial, susceptibility to, 2. Last evaluated: 2023-10-06. Review status: criteria provided, single submitter. Criteria: ACMG Guidelines, 2015. Collection method: clinical testing. Allele origin: germline. Inheritance: Autosomal dominant inheritance. Observed: 1 variant allele, 1 heterozygote.
Comment: This missense variant replaces tryptophan with leucine at codon 395 of the BRCA2 protein. Computational prediction suggests that this variant may not impact protein structure and function (internally defined REVEL score threshold <= 0.5, PMID: 27666373). To our knowledge, functional studies have not been reported for this variant. This variant has not been reported in individuals affected with BRCA2-related disorders in the literature. This variant has not been identified in the general population by the Genome Aggregation Database (gnomAD). The available evidence is insufficient to determine the role of this variant in disease conclusively. Therefore, this variant is classified as a Variant of Uncertain Significance.

This study involves interpretation of variants in research participants for the purpose of population health screening. Participant phenotype was not available at the time of variant classification. Additional details can be found in publication PMID: 35346344, PMCID: PMC8962531

University of Washington Department of Laboratory Medicine, University of Washington
Classification: Likely benign for Hereditary cancer-predisposing syndrome. Last evaluated: 2023-03-23. Review status: criteria provided, single submitter. Criteria: Dines et al. (Genet Med. 2020). Collection method: curation. Allele origin: germline.
Comment: Missense variant in a coldspot region where missense variants are very unlikely to be pathogenic (PMID:31911673).

BRCA2 exon 10 coldspot. Reclassification based on statistical prior probability.

Labcorp Genetics (formerly Invitae), Labcorp
Classification: Uncertain significance for Hereditary breast ovarian cancer syndrome. Last evaluated: 2022-09-09. Review status: criteria provided, single submitter. Criteria: Invitae Variant Classification Sherloc (09022015). Collection method: clinical testing. Allele origin: germline.
Comment: In summary, the available evidence is currently insufficient to determine the role of this variant in disease. Therefore, it has been classified as a Variant of Uncertain Significance. Advanced modeling of protein sequence and biophysical properties (such as structural, functional, and spatial information, amino acid conservation, physicochemical variation, residue mobility, and thermodynamic stability) performed at Invitae indicates that this missense variant is not expected to disrupt BRCA2 protein function. ClinVar contains an entry for this variant (Variation ID: 962996). This variant has not been reported in the literature in individuals affected with BRCA2-related conditions. This variant is not present in population databases (gnomAD no frequency). This sequence change replaces tryptophan, which is neutral and slightly polar, with leucine, which is neutral and non-polar, at codon 395 of the BRCA2 protein (p.Trp395Leu).